The following is an entry in ClinVar:

NM_015981.4(CAMK2A):c.1467-7C>G

Gene: CAMK2A (calcium/calmodulin dependent protein kinase II alpha; minus strand). Cytogenetic location: 5q32.
Variant type: single nucleotide variant.
Coding change: c.1467-7C>G on transcript NM_015981.4 (MANE Select); 7 bases into the intron before coding-DNA position 1467, C replaced by G.
Molecular consequence: intron variant.
Genome position (GRCh38, 1-based): chr5:150,222,720, G>C on the plus strand (C>G on the coding strand, the complement: CAMK2A is on the minus strand). VCF-style: chr5-150222720-G-C. GRCh37 (hg19) VCF-style: chr5-149602283-G-C.
Other names: c.1434-7C>G (NM_001363990.1, NM_171825.3); c.1467-7C>G (NM_001363989.1); c.*26-7C>G (NM_001369025.2).
Identifiers: ClinVar variation 3063657 (VCV003063657.1), dbSNP rs2481474371, ClinGen allele CA2578452106.
Genomic context (GRCh38, chr5:150,222,720, plus strand): 5'-ACAGAGTGGATCTCTGCGGCACAGCAACGCAGCGACCCCAGCCTGGTCCCTCAGCTGTAA[G>C]ACACACACGGGGTGCTTCTCAGGGCATGGTGTTTCCTGCTTGGGCAACCCACCCACCCTG-3'

ClinVar aggregate classification (germline): Uncertain significance (1 of 4 stars; one submission).

Submission:

Women's Health and Genetics/Laboratory Corporation of America, LabCorp
Classification: Uncertain significance. Last evaluated: 2024-01-23. Review status: criteria provided, single submitter. Criteria: LabCorp Variant Classification Summary - May 2015. Collection method: clinical testing. Allele origin: germline.
Comment: Variant summary: CAMK2A c.1467-7C>G alters a conserved nucleotide located close to a canonical splice site and therefore could affect mRNA splicing, leading to a significantly altered protein sequence. Consensus agreement among computation tools predict no significant impact on normal splicing. However, these predictions have yet to be confirmed by functional studies. The variant was absent in 248074 control chromosomes. The available data on variant occurrences in the general population are insufficient to allow any conclusion about variant significance. To our knowledge, no occurrence of c.1467-7C>G in individuals affected with Intellectual Disability, Autosomal Dominant 53 and no experimental evidence demonstrating its impact on protein function have been reported. No submitters have cited clinical-significance assessments for this variant to ClinVar. Based on the evidence outlined above, the variant was classified as uncertain significance.